The following is an entry in ClinVar:

NM_000455.5(STK11):c.309G>A (p.Arg103=)

Gene: STK11 (serine/threonine kinase 11; plus strand). Cytogenetic location: 19p13.3.
Variant type: single nucleotide variant.
Coding change: c.309G>A on transcript NM_000455.5 (MANE Select); coding-DNA position 309, G replaced by A.
Protein change: p.Arg103=; no amino-acid change (arginine 103 retained).
Molecular consequence: synonymous variant. On other transcripts: non-coding transcript variant (1).
Genome position (GRCh38, 1-based): chr19:1,218,435, G>A. VCF-style: chr19-1218435-G-A. GRCh37 (hg19) VCF-style: chr19-1218434-G-A.
Other names: c.309G>A, p.Arg103= (NM_001407255.1).
Identifiers: ClinVar variation 2803275 (VCV002803275.5), dbSNP rs2145420591, ClinGen allele CA504706533.

ClinVar aggregate classification (germline): Benign/Likely benign. Review status: criteria provided, multiple submitters, no conflicts (2 of 4 stars). 3 submissions from 3 submitters: Benign (1); Likely benign (2). Last evaluated 2025-03-25.

Conditions:
Hereditary cancer-predisposing syndrome. Also called: Hereditary neoplastic syndrome; Neoplastic Syndromes, Hereditary; Tumor predisposition; Hereditary Cancer Syndrome. Identifiers: Orphanet 140162, MedGen C0027672, MeSH D009386, MONDO:0015356.
Peutz-Jeghers syndrome (PJS). Also called: Peutz-Jeghers polyposis; Periorificial lentiginosis syndrome; POLYPOSIS, HAMARTOMATOUS INTESTINAL; POLYPS-AND-SPOTS SYNDROME. Identifiers: Orphanet 2869, MedGen C0031269, MeSH D010580, MONDO:0008280, OMIM 175200.

Allele frequency attached by ClinVar (database versions not stated): gnomAD exomes below 0.00001.

Submissions (3):

Myriad Genetics, Inc.
Classification: Benign for Peutz-Jeghers syndrome. Last evaluated: 2025-03-25. Review status: criteria provided, single submitter. Criteria: Myriad Autosomal Dominant, Autosomal Recessive and X-Linked Classification Criteria (2023). Collection method: clinical testing. Allele origin: unknown.
Comment: This variant is considered benign. This variant is a silent/synonymous amino acid change and it is not expected to impact splicing.

Ambry Genetics
Classification: Likely benign for Hereditary cancer-predisposing syndrome. Last evaluated: 2024-06-20. Review status: criteria provided, single submitter. Criteria: Ambry Variant Classification Scheme 2023. Collection method: clinical testing. Allele origin: germline.

Labcorp Genetics (formerly Invitae), Labcorp
Classification: Likely benign for Peutz-Jeghers syndrome. Last evaluated: 2023-01-31. Review status: criteria provided, single submitter. Criteria: Invitae Variant Classification Sherloc (09022015). Collection method: clinical testing. Allele origin: germline.